The following is an entry in ClinVar:

NM_005050.4(ABCD4):c.714C>G (p.Phe238Leu)

Gene: ABCD4 (ATP binding cassette subfamily D member 4; minus strand). Cytogenetic location: 14q24.3.
Variant type: single nucleotide variant.
Coding change: c.714C>G on transcript NM_005050.4 (MANE Select); coding-DNA position 714, C replaced by G.
Protein change: p.Phe238Leu; replaces phenylalanine 238 with leucine.
Molecular consequence: missense variant. On other transcripts: non-coding transcript variant (9), intron variant (2).
Genome position (GRCh38, 1-based): chr14:74,295,153, G>C on the plus strand (C>G on the coding strand, the complement: ABCD4 is on the minus strand). VCF-style: chr14-74295153-G-C. GRCh37 (hg19) VCF-style: chr14-74761856-G-C.
Other names: c.588C>G, p.Phe196Leu (NM_001353591.2, NM_001353592.2); c.453C>G, p.Phe151Leu (NM_001353593.2); c.300C>G, p.Phe100Leu (NM_001353595.2, NM_001353596.2); c.237C>G, p.Phe79Leu (NM_001353598.2, NM_001353599.2, NM_001353600.2 and 2 more transcripts); c.20C>G, p.Ser7Cys (NM_001353602.2, NM_001353603.2, NM_001353604.2 and 6 more transcripts); c.585C>G, p.Phe195Leu (NM_020323.1); c.714C>G, p.Phe238Leu (NM_020325.3); c.407+701C>G (NM_001353594.2); and 1 more; short protein forms F100L, F238L, F196L, F79L, F151L, F195L, S7C.
Identifiers: ClinVar variation 2584859 (VCV002584859.1), dbSNP rs2505643529, ClinGen allele CA390376102.

ClinVar aggregate classification (germline): Uncertain significance (1 of 4 stars; one submission).

Conditions:
Methylmalonic acidemia with homocystinuria, type cblJ (MAHCJ). Also called: METHYLMALONIC ACIDURIA AND HOMOCYSTINURIA, cblJ TYPE. Identifiers: Orphanet 369955, MedGen C3553915, MONDO:0013925, OMIM 614857.

Submission:

Neuberg Centre For Genomic Medicine, NCGM
Classification: Uncertain significance for Methylmalonic acidemia with homocystinuria, type cblJ. Review status: criteria provided, single submitter. Criteria: ACMG Guidelines, 2015. Collection method: clinical testing. Allele origin: germline. Inheritance: Autosomal recessive inheritance. Affected: yes.
Comment: The missense variant c.714C>G (p.Phe238Leu) in ABCD4 gene has not been reported previously as a pathogenic variant nor as a benign variant, to our knowledge. The p.Phe238Leu variant is novel (not in any individuals) in gnomAD Exomes and 1000 Genomes. This variant has not been reported to the ClinVar database. The amino acid Phe at position 238 is changed to a Leu changing protein sequence and it might alter its composition and physico-chemical properties. For these reasons, this variant has been classified as Uncertain Significance (VUS).